The following is an entry in ClinVar:

ClinVar aggregate classification (germline): Uncertain significance (1 of 4 stars; one submission).

Conditions:
Hypoplastic left heart syndrome. Also called: Hypoplastic left ventricle; Hypoplastic left heart. Identifiers: Orphanet 2248, MedGen C0152101, MONDO:0004933, HP:0004383.

Submission:

Labcorp Genetics (formerly Invitae), Labcorp
Classification: Uncertain significance for Hypoplastic left heart syndrome. Last evaluated: 2025-06-01. Review status: criteria provided, single submitter. Criteria: Invitae Variant Classification Sherloc (09022015). Collection method: clinical testing. Allele origin: germline.
Comment: This sequence change replaces histidine, which is basic and polar, with proline, which is neutral and non-polar, at codon 36 of the HAND1 protein (p.His36Pro). This variant is not present in population databases (gnomAD no frequency). This variant has not been reported in the literature in individuals affected with HAND1-related conditions. An algorithm developed to predict the effect of missense changes on protein structure and function (PolyPhen-2) suggests that this variant is likely to be disruptive. In summary, the available evidence is currently insufficient to determine the role of this variant in disease. Therefore, it has been classified as a Variant of Uncertain Significance.

NM_004821.3(HAND1):c.107A>C (p.His36Pro)

Gene: HAND1 (heart and neural crest derivatives expressed 1; minus strand). Cytogenetic location: 5q33.2.
Variant type: single nucleotide variant.
Coding change: c.107A>C on transcript NM_004821.3 (MANE Select); coding-DNA position 107, A replaced by C.
Protein change: p.His36Pro; replaces histidine 36 with proline.
Molecular consequence: missense variant.
Genome position (GRCh38, 1-based): chr5:154,477,902, T>G on the plus strand (A>C on the coding strand, the complement: HAND1 is on the minus strand). VCF-style: chr5-154477902-T-G. GRCh37 (hg19) VCF-style: chr5-153857462-T-G.
Other names: short protein forms H36P.
Identifiers: ClinVar variation 4776048 (VCV004776048.1).